The following is an entry in ClinVar:

NM_000593.6(TAP1):c.1910A>G (p.Asp637Gly)

Gene: TAP1 (transporter 1, ATP binding cassette subfamily B member; minus strand). Cytogenetic location: 6p21.32.
Variant type: single nucleotide variant.
Coding change: c.1910A>G on transcript NM_000593.6 (MANE Select); coding-DNA position 1910, A replaced by G.
Protein change: p.Asp637Gly; replaces aspartic acid 637 with glycine.
Molecular consequence: missense variant.
Genome position (GRCh38, 1-based): chr6:32,847,198, T>C on the plus strand (A>G on the coding strand, the complement: TAP1 is on the minus strand). VCF-style: chr6-32847198-T-C. GRCh37 (hg19) VCF-style: chr6-32814975-T-C.
Other names: D637G; c.1307A>G, p.Asp436Gly (NM_001292022.2); short protein forms D697G, D436G.
Identifiers: ClinVar variation 13730 (VCV000013730.21), dbSNP rs1135216, ClinGen allele CA123405.

ClinVar aggregate classification (germline): Benign/Likely benign. Review status: criteria provided, multiple submitters, no conflicts (2 of 4 stars). 8 submissions from 8 submitters: Benign (4); Likely benign (3). 1 of the submissions does not count toward it. Last evaluated 2026-02-04.

Conditions:
MHC class I deficiency. Identifiers: Orphanet 34592, MedGen C6024714, MONDO:0011476.
PEPTIDE TRANSPORTER PSF1 POLYMORPHISM.

Allele frequency attached by ClinVar (database versions not stated): gnomAD exomes 0.14632 and 0.17024; ExAC 0.17393; gnomAD 0.17500 and 0.17502; TOPMed 0.17540; 1000 Genomes Project 0.19149; 1000 Genomes Project 30x 0.19316.
gnomAD v4.1: 240,535 of 1,611,520 alleles (15%); highest among the groups gnomAD compares: African/African-American, 23%; 18,910 homozygotes.

Submissions (21):

Labcorp Genetics (formerly Invitae), Labcorp
Classification: Benign for MHC class I deficiency 1. Last evaluated: 2026-02-04. Review status: criteria provided, single submitter. Criteria: Invitae Variant Classification Sherloc (09022015). Collection method: clinical testing. Allele origin: germline.

Women's Health and Genetics/Laboratory Corporation of America, LabCorp
Classification: Likely benign. Last evaluated: 2026-01-21. Review status: criteria provided, single submitter. Criteria: LabCorp Variant Classification Summary - May 2015. Collection method: clinical testing. Allele origin: germline.

Blueprint Genetics
Classification: Likely benign. Last evaluated: 2024-11-26. Review status: criteria provided, single submitter. Criteria: ACMG Guidelines, 2015. Collection method: clinical testing. Allele origin: germline.

Fulgent Genetics
Classification: Likely benign for MHC class I deficiency 1. Last evaluated: 2022-01-18. Review status: criteria provided, single submitter. Criteria: ACMG Guidelines, 2015. Collection method: clinical testing. Allele origin: unknown.

Genome-Nilou Lab
Classification: Benign for MHC class I deficiency 1. Last evaluated: 2021-07-15. Review status: criteria provided, single submitter. Criteria: ACMG Guidelines, 2015. Collection method: clinical testing. Allele origin: germline. Affected: no.

Mayo Clinic Laboratories, Mayo Clinic
Classification: Benign. Last evaluated: 2018-06-28. Review status: criteria provided, single submitter. Criteria: ACMG Guidelines, 2015. Collection method: clinical testing. Allele origin: germline. Observed: 36 variant alleles.

Laboratory for Molecular Medicine, Mass General Brigham Personalized Medicine
Classification: Benign. Last evaluated: 2016-03-28. Review status: criteria provided, single submitter. Criteria: LMM Criteria. Collection method: clinical testing. Allele origin: germline.
Comment: Variant identified in a genome or exome case(s) and assessed due to predicted null impact of the variant or pathogenic assertions in the literature or databases. Disclaimer: This variant has not undergone full assessment. The following are preliminary notes: Frequency

OMIM
Classification: Benign for PEPTIDE TRANSPORTER PSF1 POLYMORPHISM. Last evaluated: 1992-05-01. Review status: no assertion criteria provided. Collection method: literature only. Allele origin: germline. Not counted in ClinVar's aggregate classification.

Dr. Peter K. Rogan Lab, Western University
No classification provided (evidence only). Condition: Familial cancer of breast. Review status: no classification provided. Collection method: in vitro. Allele origin: not applicable. Functional consequence: retained intron. Not counted in ClinVar's aggregate classification.

Dr. Peter K. Rogan Lab, Western University
No classification provided (evidence only). Condition: Malignant lymphoma, large B-cell, diffuse. Review status: no classification provided. Collection method: in vitro. Allele origin: not applicable. Functional consequence: retained intron. Not counted in ClinVar's aggregate classification.

Dr. Peter K. Rogan Lab, Western University
No classification provided (evidence only). Condition: Malignant lymphoma, large B-cell, diffuse. Review status: no classification provided. Collection method: in vitro. Allele origin: not applicable. Functional consequence: retained intron. Not counted in ClinVar's aggregate classification.

Dr. Peter K. Rogan Lab, Western University
No classification provided (evidence only). Condition: Malignant lymphoma, large B-cell, diffuse. Review status: no classification provided. Collection method: in vitro. Allele origin: not applicable. Functional consequence: retained intron. Not counted in ClinVar's aggregate classification.

Dr. Peter K. Rogan Lab, Western University
No classification provided (evidence only). Condition: Malignant lymphoma, large B-cell, diffuse. Review status: no classification provided. Collection method: in vitro. Allele origin: not applicable. Functional consequence: retained intron. Not counted in ClinVar's aggregate classification.

Dr. Peter K. Rogan Lab, Western University
No classification provided (evidence only). Condition: Malignant lymphoma, large B-cell, diffuse. Review status: no classification provided. Collection method: in vitro. Allele origin: not applicable. Functional consequence: retained intron. Not counted in ClinVar's aggregate classification.

Dr. Peter K. Rogan Lab, Western University
No classification provided (evidence only). Condition: Malignant lymphoma, large B-cell, diffuse. Review status: no classification provided. Collection method: in vitro. Allele origin: not applicable. Functional consequence: retained intron. Not counted in ClinVar's aggregate classification.

Dr. Peter K. Rogan Lab, Western University
No classification provided (evidence only). Condition: Thymoma. Review status: no classification provided. Collection method: in vitro. Allele origin: not applicable. Functional consequence: retained intron. Not counted in ClinVar's aggregate classification.

Dr. Peter K. Rogan Lab, Western University
No classification provided (evidence only). Condition: Cholangiocarcinoma. Review status: no classification provided. Collection method: in vitro. Allele origin: not applicable. Functional consequence: retained intron. Not counted in ClinVar's aggregate classification.

Dr. Peter K. Rogan Lab, Western University
No classification provided (evidence only). Condition: Uterine carcinosarcoma. Review status: no classification provided. Collection method: in vitro. Allele origin: not applicable. Functional consequence: retained intron. Not counted in ClinVar's aggregate classification.

Dr. Peter K. Rogan Lab, Western University
No classification provided (evidence only). Condition: Uterine carcinosarcoma. Review status: no classification provided. Collection method: in vitro. Allele origin: not applicable. Functional consequence: retained intron. Not counted in ClinVar's aggregate classification.

Dr. Peter K. Rogan Lab, Western University
No classification provided (evidence only). Condition: Uterine carcinosarcoma. Review status: no classification provided. Collection method: in vitro. Allele origin: not applicable. Functional consequence: retained intron. Not counted in ClinVar's aggregate classification.

Dr. Peter K. Rogan Lab, Western University
No classification provided (evidence only). Condition: Uterine carcinosarcoma. Review status: no classification provided. Collection method: in vitro. Allele origin: not applicable. Functional consequence: retained intron. Not counted in ClinVar's aggregate classification.

Literature cited by the submitters: PubMed 1570316 (cited by OMIM).